The following is an entry in ClinVar:

NM_001366722.1(GRIP1):c.1115A>G (p.Asn372Ser)

Gene: GRIP1 (glutamate receptor interacting protein 1; minus strand). Cytogenetic location: 12q14.3.
Variant type: single nucleotide variant.
Coding change: c.1115A>G on transcript NM_001366722.1 (MANE Select); coding-DNA position 1115, A replaced by G.
Protein change: p.Asn372Ser; replaces asparagine 372 with serine.
Molecular consequence: missense variant. On other transcripts: intron variant (8).
Genome position (GRCh38, 1-based): chr12:66,456,270, T>C on the plus strand (A>G on the coding strand, the complement: GRIP1 is on the minus strand). VCF-style: chr12-66456270-T-C. GRCh37 (hg19) VCF-style: chr12-66850050-T-C.
Other names: c.1193A>G, p.Asn398Ser (NM_001379345.1); c.1115A>G, p.Asn372Ser (NM_001379346.1); c.1046-709A>G (NM_001379351.1); c.1046-706A>G (NM_001379349.1); c.1121-709A>G (NM_001379348.1, NM_001366723.1); c.1121-706A>G (NM_001379347.1, NM_001366724.1); c.1043-706A>G (NM_001178074.2, NM_021150.4); short protein forms N372S, N398S.
Identifiers: ClinVar variation 1683565 (VCV001683565.2), dbSNP rs777164145, ClinGen allele CA6674459.

ClinVar aggregate classification (germline): Uncertain significance (1 of 4 stars; one submission).

Conditions:
Fraser syndrome 3. Identifiers: MedGen C4540040, MONDO:0054739, OMIM 617667.

Allele frequency attached by ClinVar (database versions not stated): ExAC 0.00007.
gnomAD v4.1: 44 of 1,289,464 alleles (0.0034%); highest among the groups gnomAD compares: Middle Eastern, 0.021%; no homozygotes.

Submission:

Laboratorio de Genetica e Diagnostico Molecular, Hospital Israelita Albert Einstein
Classification: Uncertain significance for Fraser syndrome 3. Last evaluated: 2022-01-04. Review status: criteria provided, single submitter. Criteria: ACMG Guidelines, 2015. Collection method: clinical testing. Allele origin: germline. Affected: yes.
Comment: ACMG classification criteria: PM2 moderate, BP4 supporting